The following is an entry in ClinVar:

NM_003482.4(KMT2D):c.6172G>C (p.Ala2058Pro)

Gene: KMT2D (lysine methyltransferase 2D; minus strand). Cytogenetic location: 12q13.12.
Variant type: single nucleotide variant.
Coding change: c.6172G>C on transcript NM_003482.4 (MANE Select); coding-DNA position 6172, G replaced by C.
Protein change: p.Ala2058Pro; replaces alanine 2058 with proline.
Molecular consequence: missense variant.
Genome position (GRCh38, 1-based): chr12:49,041,928, C>G on the plus strand (G>C on the coding strand, the complement: KMT2D is on the minus strand). VCF-style: chr12-49041928-C-G. GRCh37 (hg19) VCF-style: chr12-49435711-C-G.
Other names: short protein forms A2058P.
Identifiers: ClinVar variation 2125664 (VCV002125664.4), dbSNP rs2120551474, ClinGen allele CA384626074.
Genomic context (GRCh38, chr12:49,041,928, plus strand): 5'-CTCCCTCCCTCTCAGTTCCCACGCTAATCCATGCTCCTTTCTGCCTCACCAGGTAGGGGG[C>G]TTTGTCAGCTGCTGGAACCTTTCTCCAGAGCTTCATGATTTGTTTGCAACGGCTTGACCA-3'
Protein context (NP_003473.3, residues 2048-2068): LWRKVPAADK[Ala2058Pro]PYLQKAKDNR

ClinVar aggregate classification (germline): Uncertain significance (1 of 4 stars; one submission).

Conditions:
Kabuki syndrome. Also called: NIIKAWA-KUROKI SYNDROME; Kabuki make-up syndrome. Identifiers: Orphanet 2322, MedGen C0796004, MONDO:0016512.

Submission:

Labcorp Genetics (formerly Invitae), Labcorp
Classification: Uncertain significance for Kabuki syndrome. Last evaluated: 2022-04-12. Review status: criteria provided, single submitter. Criteria: Invitae Variant Classification Sherloc (09022015). Collection method: clinical testing. Allele origin: germline.
Comment: This variant is not present in population databases (gnomAD no frequency). This sequence change replaces alanine, which is neutral and non-polar, with proline, which is neutral and non-polar, at codon 2058 of the KMT2D protein (p.Ala2058Pro). This variant has not been reported in the literature in individuals affected with KMT2D-related conditions. In summary, the available evidence is currently insufficient to determine the role of this variant in disease. Therefore, it has been classified as a Variant of Uncertain Significance. Algorithms developed to predict the effect of missense changes on protein structure and function are either unavailable or do not agree on the potential impact of this missense change (SIFT: "Deleterious"; PolyPhen-2: "Probably Damaging"; Align-GVGD: "Class C0").